The following is an entry in ClinVar:

ClinVar aggregate classification (germline): Likely benign. Review status: criteria provided, multiple submitters, no conflicts (2 of 4 stars). 4 submissions from 4 submitters: Likely benign (3). 1 of the submissions does not count toward it. Last evaluated 2026-02-01.

Conditions:
SETD1B-related disorder. Also called: SETD1B-related condition.
Inborn genetic diseases. Identifiers: MedGen C0950123, MeSH D030342.

Allele frequency attached by ClinVar (database versions not stated): ExAC 0.00016; 1000 Genomes Project 0.00020; gnomAD 0.00040; 1000 Genomes Project 30x 0.00047; TOPMed 0.00049.
gnomAD v4.1: 278 of 1,544,210 alleles (0.018%); highest among the groups gnomAD compares: Middle Eastern, 0.3%; 1 homozygote.

Submissions (4):

CeGaT Center for Human Genetics Tuebingen
Classification: Likely benign. Last evaluated: 2026-02-01. Review status: criteria provided, single submitter. Criteria: CeGaT Center For Human Genetics Tuebingen Variant Classification Criteria Version 2. Collection method: clinical testing. Allele origin: germline. Affected: yes. Observed: 2 variant alleles.
Comment: SETD1B: BP4, BP7

Ambry Genetics
Classification: Likely benign for Inborn genetic diseases. Last evaluated: 2024-11-26. Review status: criteria provided, single submitter. Criteria: Ambry Variant Classification Scheme 2023. Collection method: clinical testing. Allele origin: germline.

Blueprint Genetics
Classification: Likely benign. Last evaluated: 2024-10-22. Review status: criteria provided, single submitter. Criteria: ACMG Guidelines, 2015. Collection method: clinical testing. Allele origin: germline.

PreventionGenetics, part of Exact Sciences
Classification: Likely benign for SETD1B-related condition. Last evaluated: 2019-03-18. Review status: no assertion criteria provided. Collection method: clinical testing. Allele origin: germline. Not counted in ClinVar's aggregate classification.
Comment: This variant is classified as likely benign based on ACMG/AMP sequence variant interpretation guidelines (Richards et al. 2015 PMID: 25741868, with internal and published modifications).

NM_001353345.2(SETD1B):c.1371C>T (p.Pro457=)

Gene: SETD1B (SET domain containing 1B, histone lysine methyltransferase; plus strand). Cytogenetic location: 12q24.31.
Variant type: single nucleotide variant.
Coding change: c.1371C>T on transcript NM_001353345.2 (MANE Select); coding-DNA position 1371, C replaced by T.
Protein change: p.Pro457=; no amino-acid change (proline 457 retained).
Molecular consequence: synonymous variant.
Genome position (GRCh38, 1-based): chr12:121,810,316, C>T. VCF-style: chr12-121810316-C-T. GRCh37 (hg19) VCF-style: chr12-122248222-C-T.
Other names: NM_015048.1:c.1371C>T.
Identifiers: ClinVar variation 3050591 (VCV003050591.20), dbSNP rs60212815, ClinGen allele CA6838862.